The following is an entry in ClinVar:

ClinVar aggregate classification (germline): Uncertain significance (1 of 4 stars; one submission).

Conditions:
Fanconi anemia (FA). Also called: Fanconi's anemia. Identifiers: Orphanet 84, MedGen C0015625, MeSH D005199, MONDO:0019391.

Allele frequency attached by ClinVar (database versions not stated): gnomAD exomes below 0.00001; ExAC 0.00001.
gnomAD v4.1: 1 of 1,614,066 alleles (0.000062%); highest among the groups gnomAD compares: Non-Finnish European, 0.000085%; no homozygotes.

Submission:

Labcorp Genetics (formerly Invitae), Labcorp
Classification: Uncertain significance for Fanconi anemia. Last evaluated: 2021-01-29. Review status: criteria provided, single submitter. Criteria: Invitae Variant Classification Sherloc (09022015). Collection method: clinical testing. Allele origin: germline.
Comment: In summary, the available evidence is currently insufficient to determine the role of this variant in disease. Therefore, it has been classified as a Variant of Uncertain Significance. Algorithms developed to predict the effect of missense changes on protein structure and function (SIFT, PolyPhen-2, Align-GVGD) all suggest that this variant is likely to be tolerated, but these predictions have not been confirmed by published functional studies and their clinical significance is uncertain. This variant has not been reported in the literature in individuals with FANCI-related conditions. This variant is present in population databases (rs769972292, ExAC 0.001%). This sequence change replaces tyrosine with asparagine at codon 699 of the FANCI protein (p.Tyr699Asn). The tyrosine residue is weakly conserved and there is a large physicochemical difference between tyrosine and asparagine.

NM_001113378.2(FANCI):c.2095T>A (p.Tyr699Asn)

Gene: FANCI (FA complementation group I; plus strand). Cytogenetic location: 15q26.1.
Variant type: single nucleotide variant.
Coding change: c.2095T>A on transcript NM_001113378.2 (MANE Select); coding-DNA position 2095, T replaced by A.
Protein change: p.Tyr699Asn; replaces tyrosine 699 with asparagine.
Molecular consequence: missense variant.
Genome position (GRCh38, 1-based): chr15:89,292,790, T>A. VCF-style: chr15-89292790-T-A. GRCh37 (hg19) VCF-style: chr15-89836021-T-A.
Other names: c.1816T>A, p.Tyr606Asn (NM_001376910.1); c.2095T>A, p.Tyr699Asn (NM_001376911.1, NM_018193.3); short protein forms Y699N, Y606N.
Identifiers: ClinVar variation 1397118 (VCV001397118.8), dbSNP rs769972292, ClinGen allele CA7723277.
Genomic context (GRCh38, chr15:89,292,790, plus strand): 5'-AAGAATACAGTCATACCCTTACAGCAGGGAGAGGAGGAAGAGGAGGAGGAAGAGGCATTC[T>A]ACGAAGACCTAGATGATATATTGGAGTCCATTACTAATAGAATGATTAAGAGTGAGCTGG-3'
Protein context (NP_001106849.1, residues 689-709): EEEEEEEEAF[Tyr699Asn]EDLDDILESI